The following is an entry in ClinVar:

NM_003482.4(KMT2D):c.1774C>A (p.Pro592Thr)

Gene: KMT2D (lysine methyltransferase 2D; minus strand). Cytogenetic location: 12q13.12.
Variant type: single nucleotide variant.
Coding change: c.1774C>A on transcript NM_003482.4 (MANE Select); coding-DNA position 1774, C replaced by A.
Protein change: p.Pro592Thr; replaces proline 592 with threonine.
Molecular consequence: missense variant.
Genome position (GRCh38, 1-based): chr12:49,051,909, G>T on the plus strand (C>A on the coding strand, the complement: KMT2D is on the minus strand). VCF-style: chr12-49051909-G-T. GRCh37 (hg19) VCF-style: chr12-49445692-G-T.
Other names: short protein forms P592T.
Identifiers: ClinVar variation 4767595 (VCV004767595.1).

ClinVar aggregate classification (germline): Uncertain significance (1 of 4 stars; one submission).

Conditions:
Kabuki syndrome. Also called: NIIKAWA-KUROKI SYNDROME; Kabuki make-up syndrome. Identifiers: Orphanet 2322, MedGen C0796004, MONDO:0016512.

Submission:

Labcorp Genetics (formerly Invitae), Labcorp
Classification: Uncertain significance for Kabuki syndrome. Last evaluated: 2025-12-27. Review status: criteria provided, single submitter. Criteria: Invitae Variant Classification Sherloc (09022015). Collection method: clinical testing. Allele origin: germline.
Comment: This sequence change replaces proline, which is neutral and non-polar, with threonine, which is neutral and polar, at codon 592 of the KMT2D protein (p.Pro592Thr). This variant is not present in population databases (gnomAD no frequency). This variant has not been reported in the literature in individuals affected with KMT2D-related conditions. Invitae Evidence Modeling of protein sequence and biophysical properties (such as structural, functional, and spatial information, amino acid conservation, physicochemical variation, residue mobility, and thermodynamic stability) indicates that this missense variant is not expected to disrupt KMT2D protein function with a negative predictive value of 95%. In summary, the available evidence is currently insufficient to determine the role of this variant in disease. Therefore, it has been classified as a Variant of Uncertain Significance.